The following is an entry in ClinVar:

ClinVar aggregate classification (germline): Uncertain significance (1 of 4 stars; one submission).

Conditions:
Encephalopathy, acute, infection-induced (herpes-specific), susceptibility to, 1. Also called: Herpes simplex encephalitis, susceptibility to, 1. Identifiers: Orphanet 1930, MedGen C2750180, MONDO:0024563, OMIM 610551.

gnomAD v4.1: 1 of 1,613,966 alleles (0.000062%); highest among the groups gnomAD compares: Non-Finnish European, 0.000085%; no homozygotes.

Submission:

Labcorp Genetics (formerly Invitae), Labcorp
Classification: Uncertain significance for Encephalopathy, acute, infection-induced (herpes-specific), susceptibility to, 1. Last evaluated: 2025-09-02. Review status: criteria provided, single submitter. Criteria: Invitae Variant Classification Sherloc (09022015). Collection method: clinical testing. Allele origin: germline.
Comment: This sequence change replaces leucine, which is neutral and non-polar, with phenylalanine, which is neutral and non-polar, at codon 176 of the TLR3 protein (p.Leu176Phe). This variant is not present in population databases (gnomAD no frequency). This variant has not been reported in the literature in individuals affected with TLR3-related conditions. ClinVar contains an entry for this variant (Variation ID: 2747264). An algorithm developed to predict the effect of missense changes on protein structure and function (PolyPhen-2) suggests that this variant is likely to be disruptive. In summary, the available evidence is currently insufficient to determine the role of this variant in disease. Therefore, it has been classified as a Variant of Uncertain Significance.

NM_003265.3(TLR3):c.526C>T (p.Leu176Phe)

Gene: TLR3 (toll like receptor 3; plus strand). Cytogenetic location: 4q35.1.
Variant type: single nucleotide variant.
Coding change: c.526C>T on transcript NM_003265.3 (MANE Select); coding-DNA position 526, C replaced by T.
Protein change: p.Leu176Phe; replaces leucine 176 with phenylalanine.
Molecular consequence: missense variant.
Genome position (GRCh38, 1-based): chr4:186,078,924, C>T. VCF-style: chr4-186078924-C-T. GRCh37 (hg19) VCF-style: chr4-187000078-C-T.
Other names: short protein forms L176F.
Identifiers: ClinVar variation 2747264 (VCV002747264.3), dbSNP rs778120843, ClinGen allele CA359108252.